The following is an entry in ClinVar:

NM_003172.4(SURF1):c.884G>T (p.Arg295Leu)

Gene: SURF1 (SURF1 cytochrome c oxidase assembly factor; minus strand). Cytogenetic location: 9q34.2.
Variant type: single nucleotide variant.
Coding change: c.884G>T on transcript NM_003172.4 (MANE Select); coding-DNA position 884, G replaced by T.
Protein change: p.Arg295Leu; replaces arginine 295 with leucine.
Molecular consequence: missense variant.
Genome position (GRCh38, 1-based): chr9:133,351,932, C>A on the plus strand (G>T on the coding strand, the complement: SURF1 is on the minus strand). VCF-style: chr9-133351932-C-A. GRCh37 (hg19) VCF-style: chr9-136218787-C-A.
Other names: p.Arg295Leu; c.557G>T, p.Arg186Leu (NM_001280787.1); short protein forms R186L, R295L.
Identifiers: ClinVar variation 1047269 (VCV001047269.6), dbSNP rs369247238, ClinGen allele CA200831885.
Genomic context (GRCh38, chr9:133,351,932, plus strand): 5'-ATACTGCATTATCCAGGGACAGGGCTTCAGCAGCTGATCTGTCACACACCAGGTGTCCCA[C>A]GTAGGAATTTCTTAAACCACAGGTAGGATGTAGCTGCAGAGAGTCCATACCTAGGGGTTG-3'
Protein context (NP_003163.1, residues 285-300): TSYLWFKKFL[Arg295Leu]GTPGV

ClinVar aggregate classification (germline): Uncertain significance. Review status: criteria provided, multiple submitters, no conflicts (2 of 4 stars). 2 submissions from 2 submitters: Uncertain significance (2). Last evaluated 2023-05-26.

Conditions:
Leigh syndrome (NULS). Also called: Leigh Disease; Subacute necrotizing encephalopathy; Necrotizing encephalopathy infantile subacute of Leigh; LEIGH SYNDROME, NUCLEAR; Leigh's necrotizing encephalopathy; Leigh's disease. Identifiers: Orphanet 506, MedGen C2931891, MONDO:0009723, OMIM 256000.

gnomAD v4.1: 7 of 1,613,798 alleles (0.00043%); highest among the groups gnomAD compares: Middle Eastern, 0.017%; no homozygotes.

Submissions (2):

Mayo Clinic Laboratories, Mayo Clinic
Classification: Uncertain significance. Last evaluated: 2023-05-26. Review status: criteria provided, single submitter. Criteria: ACMG Guidelines, 2015. Collection method: clinical testing. Allele origin: germline. Observed: 1 variant allele.
Comment: PM2

Labcorp Genetics (formerly Invitae), Labcorp
Classification: Uncertain significance for Leigh syndrome. Last evaluated: 2021-09-02. Review status: criteria provided, single submitter. Criteria: Invitae Variant Classification Sherloc (09022015). Collection method: clinical testing. Allele origin: germline.
Comment: This sequence change replaces arginine with leucine at codon 295 of the SURF1 protein (p.Arg295Leu). The arginine residue is weakly conserved and there is a moderate physicochemical difference between arginine and leucine. This variant is present in population databases (rs369247238, ExAC 0.002%). This variant has not been reported in the literature in individuals affected with SURF1-related conditions. Algorithms developed to predict the effect of missense changes on protein structure and function are either unavailable or do not agree on the potential impact of this missense change (SIFT: "Deleterious"; PolyPhen-2: "Benign"; Align-GVGD: "Class C0"). In summary, the available evidence is currently insufficient to determine the role of this variant in disease. Therefore, it has been classified as a Variant of Uncertain Significance.